The following is an entry in ClinVar:

ClinVar aggregate classification (germline): Uncertain significance (1 of 4 stars; one submission).

Conditions:
Hereditary cancer-predisposing syndrome. Also called: Neoplastic Syndromes, Hereditary; Tumor predisposition; Hereditary Cancer Syndrome; Hereditary neoplastic syndrome. Identifiers: Orphanet 140162, MedGen C0027672, MeSH D009386, MONDO:0015356.

Submission:

Ambry Genetics
Classification: Uncertain significance for Hereditary cancer-predisposing syndrome. Last evaluated: 2020-03-05. Review status: criteria provided, single submitter. Criteria: Ambry Variant Classification Scheme 2023. Collection method: clinical testing. Allele origin: germline.
Comment: The p.Q90H variant (also known as c.270G>T), located in coding exon 3 of the MRE11A gene, results from a G to T substitution at nucleotide position 270. The glutamine at codon 90 is replaced by histidine, an amino acid with highly similar properties. This amino acid position is not well conserved in available vertebrate species. In addition, this alteration is predicted to be tolerated by in silico analysis. Since supporting evidence is limited at this time, the clinical significance of this alteration remains unclear.

NM_005591.4(MRE11):c.270G>T (p.Gln90His)

Gene: MRE11 (MRE11 double strand break repair nuclease; minus strand). Cytogenetic location: 11q21.
Variant type: single nucleotide variant.
Coding change: c.270G>T on transcript NM_005591.4 (MANE Select); coding-DNA position 270, G replaced by T.
Protein change: p.Gln90His; replaces glutamine 90 with histidine.
Molecular consequence: missense variant.
Genome position (GRCh38, 1-based): chr11:94,485,968, C>A on the plus strand (G>T on the coding strand, the complement: MRE11 is on the minus strand). VCF-style: chr11-94485968-C-A. GRCh37 (hg19) VCF-style: chr11-94219134-C-A.
Other names: c.270G>T, p.Gln90His (NM_001330347.2, NM_005590.4); short protein forms Q90H.
Identifiers: ClinVar variation 1800273 (VCV001800273.2), dbSNP rs2496619283, ClinGen allele CA382379505.